The following is an entry in ClinVar:

NM_002693.3(POLG):c.2878C>T (p.Pro960Ser)

Gene: POLG (DNA polymerase gamma, catalytic subunit; minus strand). Cytogenetic location: 15q26.1.
Variant type: single nucleotide variant.
Coding change: c.2878C>T on transcript NM_002693.3 (MANE Select); coding-DNA position 2878, C replaced by T.
Protein change: p.Pro960Ser; replaces proline 960 with serine.
Molecular consequence: missense variant.
Genome position (GRCh38, 1-based): chr15:89,320,869, G>A on the plus strand (C>T on the coding strand, the complement: POLG is on the minus strand). VCF-style: chr15-89320869-G-A. GRCh37 (hg19) VCF-style: chr15-89864100-G-A.
Other names: c.2878C>T, p.Pro960Ser (NM_001126131.2); short protein forms P960S.
Identifiers: ClinVar variation 594839 (VCV000594839.53), dbSNP rs373298169, ClinGen allele CA7724333.

ClinVar aggregate classification (germline): Conflicting classifications of pathogenicity. Review status: criteria provided, conflicting classifications (1 of 4 stars). 7 submissions from 7 submitters: Uncertain significance (6); Likely benign (1). Last evaluated 2026-05-21.

Conditions:
Progressive sclerosing poliodystrophy (MTDPS4A). Also called: Mitochondrial DNA Depletion Syndrome 4A; Mitochondrial DNA depletion syndrome 4A (Alpers type); NEURONAL DEGENERATION OF CHILDHOOD WITH LIVER DISEASE, PROGRESSIVE; Alpers-Huttenlocher Syndrome (AHS); ALPERS PROGRESSIVE INFANTILE POLIODYSTROPHY; Alpers Syndrome. Identifiers: Orphanet 726, MedGen C0205710, MONDO:0008758, OMIM 203700.
POLG-related disorder. Also called: POLG-Related Spectrum Disorders; POLG-related condition; POLG-Related Disorders. Identifiers: MedGen C4763519.
Inborn genetic diseases. Identifiers: MedGen C0950123, MeSH D030342.

Allele frequency attached by ClinVar (database versions not stated): TOPMed 0.00003; gnomAD exomes 0.00005 and 0.00006; gnomAD 0.00006; ExAC 0.00007; ESP Exome Variant Server 0.00015.
gnomAD v4.1: 76 of 1,613,838 alleles (0.0047%); highest among the groups gnomAD compares: Non-Finnish European, 0.0058%; no homozygotes.

Submissions (7):

Ambry Genetics
Classification: Uncertain significance for Inborn genetic diseases. Last evaluated: 2026-05-21. Review status: criteria provided, single submitter. Criteria: Ambry Variant Classification Scheme 2023. Collection method: clinical testing. Allele origin: germline.
Comment: The c.2878C>T (p.P960S) alteration is located in exon 18 (coding exon 17) of the POLG gene. This alteration results from a C to T substitution at nucleotide position 2878, causing the proline (P) at amino acid position 960 to be replaced by a serine (S). Based on data from gnomAD, the T allele has an overall frequency of 0.006% (17/282576) total alleles studied. The highest observed frequency was 0.019% (2/10366) of Ashkenazi Jewish alleles. Based on insufficient or conflicting evidence, the clinical significance of this alteration remains unclear.

Labcorp Genetics (formerly Invitae), Labcorp
Classification: Likely benign for Progressive sclerosing poliodystrophy. Last evaluated: 2026-01-19. Review status: criteria provided, single submitter. Criteria: Invitae Variant Classification Sherloc (09022015). Collection method: clinical testing. Allele origin: germline.

PreventionGenetics, part of Exact Sciences
Classification: Uncertain significance for POLG-related condition. Last evaluated: 2025-05-13. Review status: criteria provided, single submitter. Criteria: ACMG Guidelines, 2015. Collection method: clinical testing. Allele origin: germline.
Comment: The POLG c.2878C>T variant is predicted to result in the amino acid substitution p.Pro960Ser. To our knowledge, this variant has not been reported in the literature. This variant is reported in 0.019% of alleles in individuals of Ashkenazi Jewish descent in gnomAD. Although we suspect that this variant may be benign, at this time, the clinical significance of this variant is uncertain due to the absence of conclusive functional and genetic evidence.

CeGaT Center for Human Genetics Tuebingen
Classification: Uncertain significance. Last evaluated: 2025-02-01. Review status: criteria provided, single submitter. Criteria: CeGaT Center For Human Genetics Tuebingen Variant Classification Criteria Version 2. Collection method: clinical testing. Allele origin: germline. Affected: yes. Observed: 2 variant alleles.
Comment: POLG: PM1, PM2

Blueprint Genetics
Classification: Uncertain significance. Last evaluated: 2024-09-20. Review status: criteria provided, single submitter. Criteria: ACMG Guidelines, 2015. Collection method: clinical testing. Allele origin: germline.

GeneDx
Classification: Uncertain significance. Last evaluated: 2020-01-15. Review status: criteria provided, single submitter. Criteria: GeneDx Variant Classification Process June 2021. Collection method: clinical testing. Allele origin: germline. Affected: yes.
Comment: In silico analysis, which includes protein predictors and evolutionary conservation, supports that this variant does not alter protein structure/function; Has not been previously published as pathogenic or benign to our knowledge

Eurofins Ntd Llc (ga)
Classification: Uncertain significance. Last evaluated: 2017-11-07. Review status: criteria provided, single submitter. Criteria: EGL Classification Definitions 2015. Collection method: clinical testing. Allele origin: germline. Observed: 1 variant allele, 1 heterozygote.